The following is an entry in ClinVar:

NM_005876.5(SPEG):c.7000G>C (p.Glu2334Gln)

Genes: ASIC4-AS1 (ASIC4 antisense RNA 1; minus strand), SPEG (striated muscle enriched protein kinase; plus strand). Cytogenetic location: 2q35.
Variant type: single nucleotide variant.
Coding change: c.7000G>C on transcript NM_005876.5 (MANE Select); coding-DNA position 7000, G replaced by C.
Protein change: p.Glu2334Gln; replaces glutamic acid 2334 with glutamine.
Molecular consequence: missense variant.
Genome position (GRCh38, 1-based): chr2:219,484,463, G>C. VCF-style: chr2-219484463-G-C. GRCh37 (hg19) VCF-style: chr2-220349185-G-C.
Other names: short protein forms E2334Q.
Identifiers: ClinVar variation 2005349 (VCV002005349.4), dbSNP rs778918190, ClinGen allele CA350700477.
Genomic context (GRCh38, chr2:219,484,463, plus strand): 5'-CCCAGGCCAGGCAGCAGTCTCAGTAGCAGCATCGAAAACTTGGAGTCGGAGGCCGTGTTC[G>C]AGGCCAAGTTCAAGCGCAGCCGCGAGTCGCCCCTGTCGCTGGGGCTGCGGCTGCTGAGCC-3'
Protein context (NP_005867.3, residues 2324-2344): IENLESEAVF[Glu2334Gln]AKFKRSRESP

ClinVar aggregate classification (germline): Uncertain significance (1 of 4 stars; one submission).

gnomAD v4.1: 1 of 1,611,106 alleles (0.000062%); no homozygotes.

Submission:

Labcorp Genetics (formerly Invitae), Labcorp
Classification: Uncertain significance. Last evaluated: 2022-09-15. Review status: criteria provided, single submitter. Criteria: Invitae Variant Classification Sherloc (09022015). Collection method: clinical testing. Allele origin: germline.
Comment: This sequence change replaces glutamic acid, which is acidic and polar, with glutamine, which is neutral and polar, at codon 2334 of the SPEG protein (p.Glu2334Gln). This variant is present in population databases (no rsID available, gnomAD 0.005%). This variant has not been reported in the literature in individuals affected with SPEG-related conditions. Algorithms developed to predict the effect of missense changes on protein structure and function are either unavailable or do not agree on the potential impact of this missense change (SIFT: "Deleterious"; PolyPhen-2: "Probably Damaging"; Align-GVGD: "Class C0"). In summary, the available evidence is currently insufficient to determine the role of this variant in disease. Therefore, it has been classified as a Variant of Uncertain Significance.